The following is an entry in ClinVar:

ClinVar aggregate classification (germline): Uncertain significance (1 of 4 stars; one submission).

Conditions:
Brown-Vialetto-van Laere syndrome 1. Also called: BROWN-VIALETTO-VAN LAERE SYNDROME 1, MILD; PONTOBULBAR PALSY WITH DEAFNESS; BULBAR PALSY, PROGRESSIVE, WITH SENSORINEURAL DEAFNESS. Identifiers: Orphanet 572550, Orphanet 97229, MedGen C0796274, MONDO:0024537, OMIM 211530.

Allele frequency attached by ClinVar (database versions not stated): gnomAD exomes below 0.00001; TOPMed below 0.00001; gnomAD 0.00001.
gnomAD v4.1: 2 of 1,614,100 alleles (0.00012%); highest among the groups gnomAD compares: Non-Finnish European, 0.00017%; no homozygotes.

Submission:

Labcorp Genetics (formerly Invitae), Labcorp
Classification: Uncertain significance for Brown-Vialetto-van Laere syndrome 1. Last evaluated: 2021-07-15. Review status: criteria provided, single submitter. Criteria: Invitae Variant Classification Sherloc (09022015). Collection method: clinical testing. Allele origin: germline.
Comment: This variant has not been reported in the literature in individuals with SLC52A3-related disease. In summary, the available evidence is currently insufficient to determine the role of this variant in disease. Therefore, it has been classified as a Variant of Uncertain Significance. Algorithms developed to predict the effect of missense changes on protein structure and function are either unavailable or do not agree on the potential impact of this missense change (SIFT: "Deleterious"; PolyPhen-2: "Benign"; Align-GVGD: "Class C25"). This variant is not present in population databases (ExAC no frequency). This sequence change replaces methionine with threonine at codon 317 of the SLC52A3 protein (p.Met317Thr). The methionine residue is weakly conserved and there is a moderate physicochemical difference between methionine and threonine.

NM_033409.4(SLC52A3):c.950T>C (p.Met317Thr)

Gene: SLC52A3 (solute carrier family 52 member 3; minus strand). Cytogenetic location: 20p13.
Variant type: single nucleotide variant.
Coding change: c.950T>C on transcript NM_033409.4 (MANE Select); coding-DNA position 950, T replaced by C.
Protein change: p.Met317Thr; replaces methionine 317 with threonine.
Molecular consequence: missense variant.
Genome position (GRCh38, 1-based): chr20:763,621, A>G on the plus strand (T>C on the coding strand, the complement: SLC52A3 is on the minus strand). VCF-style: chr20-763621-A-G. GRCh37 (hg19) VCF-style: chr20-744265-A-G.
Other names: c.950T>C, p.Met317Thr (NM_001370085.1, NM_001370086.1); short protein forms M317T.
Identifiers: ClinVar variation 581134 (VCV000581134.8), dbSNP rs1251411780, ClinGen allele CA407962763.